The following is an entry in ClinVar:

ClinVar aggregate classification (germline): Uncertain significance (1 of 4 stars; one submission).

Conditions:
Bardet-Biedl syndrome (BBS). Identifiers: Orphanet 110, MedGen C0752166, MONDO:0015229.

Submission:

Labcorp Genetics (formerly Invitae), Labcorp
Classification: Uncertain significance for Bardet-Biedl syndrome. Last evaluated: 2019-12-31. Review status: criteria provided, single submitter. Criteria: Invitae Variant Classification Sherloc (09022015). Collection method: clinical testing. Allele origin: germline.
Comment: In summary, the available evidence is currently insufficient to determine the role of this variant in disease. Therefore, it has been classified as a Variant of Uncertain Significance. Algorithms developed to predict the effect of missense changes on protein structure and function (SIFT, PolyPhen-2, Align-GVGD) all suggest that this variant is likely to be tolerated, but these predictions have not been confirmed by published functional studies and their clinical significance is uncertain. This variant has not been reported in the literature in individuals with BBS1-related conditions. This variant is not present in population databases (ExAC no frequency). This sequence change replaces methionine with threonine at codon 77 of the BBS1 protein (p.Met77Thr). The methionine residue is weakly conserved and there is a moderate physicochemical difference between methionine and threonine.

NM_024649.5(BBS1):c.230T>C (p.Met77Thr)

Gene: BBS1 (Bardet-Biedl syndrome 1; plus strand). Cytogenetic location: 11q13.2.
Variant type: single nucleotide variant.
Coding change: c.230T>C on transcript NM_024649.5 (MANE Select); coding-DNA position 230, T replaced by C.
Protein change: p.Met77Thr; replaces methionine 77 with threonine.
Molecular consequence: missense variant.
Genome position (GRCh38, 1-based): chr11:66,514,476, T>C. VCF-style: chr11-66514476-T-C. GRCh37 (hg19) VCF-style: chr11-66281947-T-C.
Other names: short protein forms M77T.
Identifiers: ClinVar variation 852906 (VCV000852906.10), dbSNP rs377037816, ClinGen allele CA381456039.